The following is an entry in ClinVar:

ClinVar aggregate classification (germline): Benign (1 of 4 stars; one submission).

Allele frequency attached by ClinVar (database versions not stated): 1000 Genomes Project 0.81030; 1000 Genomes Project 30x 0.81418; TOPMed 0.87536; gnomAD 0.88223 and 0.88458.
gnomAD v4.1: 130,838 of 148,156 alleles (88%); highest among the groups gnomAD compares: Non-Finnish European, 97%; 58,496 homozygotes.

Submission:

GeneDx
Classification: Benign. Last evaluated: 2018-06-19. Review status: criteria provided, single submitter. Criteria: GeneDx Variant Classification (06012015). Collection method: clinical testing. Allele origin: germline. Affected: yes.
Comment: This variant is considered likely benign or benign based on one or more of the following criteria: it is a conservative change, it occurs at a poorly conserved position in the protein, it is predicted to be benign by multiple in silico algorithms, and/or has population frequency not consistent with disease.

NM_002860.4(ALDH18A1):c.1153-280C>T

Gene: ALDH18A1 (aldehyde dehydrogenase 18 family member A1; minus strand). Cytogenetic location: 10q24.1.
Variant type: single nucleotide variant.
Coding change: c.1153-280C>T on transcript NM_002860.4 (MANE Select); 280 bases into the intron before coding-DNA position 1153, C replaced by T.
Molecular consequence: intron variant.
Genome position (GRCh38, 1-based): chr10:95,625,735, G>A on the plus strand (C>T on the coding strand, the complement: ALDH18A1 is on the minus strand). VCF-style: chr10-95625735-G-A. GRCh37 (hg19) VCF-style: chr10-97385492-G-A.
Other names: c.517-280C>T (NM_001323419.2); c.820-280C>T (NM_001323412.2, NM_001323416.2); c.1048-280C>T (NM_001323417.2); c.1147-280C>T (NM_001017423.2, NM_001323415.2); c.814-280C>T (NM_001323418.2); c.1153-280C>T (NM_001323413.2, NM_001323414.2).
Identifiers: ClinVar variation 683037 (VCV000683037.1), dbSNP rs10509687, ClinGen allele CA211793548.